The following is an entry in ClinVar:

NM_001170629.2(CHD8):c.410G>A (p.Gly137Asp)

Gene: CHD8 (chromodomain helicase DNA binding protein 8; minus strand). Cytogenetic location: 14q11.2.
Variant type: single nucleotide variant.
Coding change: c.410G>A on transcript NM_001170629.2 (MANE Select); coding-DNA position 410, G replaced by A.
Protein change: p.Gly137Asp; replaces glycine 137 with aspartic acid.
Molecular consequence: missense variant. On other transcripts: intron variant (1).
Genome position (GRCh38, 1-based): chr14:21,431,234, C>T on the plus strand (G>A on the coding strand, the complement: CHD8 is on the minus strand). VCF-style: chr14-21431234-C-T. GRCh37 (hg19) VCF-style: chr14-21899393-C-T.
Other names: c.6+577G>A (NM_020920.4); short protein forms G137D.
Identifiers: ClinVar variation 931195 (VCV000931195.7), dbSNP rs752288417, ClinGen allele CA257558505.

ClinVar aggregate classification (germline): Uncertain significance. Review status: criteria provided, multiple submitters, no conflicts (2 of 4 stars). 3 submissions from 3 submitters: Uncertain significance (3). Last evaluated 2024-10-25.

Conditions:
Inborn genetic diseases. Identifiers: MedGen C0950123, MeSH D030342.
Intellectual developmental disorder with autism and macrocephaly. Also called: CHD8-Related Neurodevelopmental Disorder with Overgrowth; Autism, susceptibility to, 18. Identifiers: Orphanet 642675, MedGen C3554373, MONDO:0014017, OMIM 615032.

gnomAD v4.1: 9 of 1,598,640 alleles (0.00056%); highest among the groups gnomAD compares: Middle Eastern, 0.033%; no homozygotes.

Submissions (3):

Ambry Genetics
Classification: Uncertain significance for Inborn genetic diseases. Last evaluated: 2024-10-25. Review status: criteria provided, single submitter. Criteria: Ambry Variant Classification Scheme 2023. Collection method: clinical testing. Allele origin: germline.

Labcorp Genetics (formerly Invitae), Labcorp
Classification: Uncertain significance. Last evaluated: 2024-10-14. Review status: criteria provided, single submitter. Criteria: Invitae Variant Classification Sherloc (09022015). Collection method: clinical testing. Allele origin: germline.
Comment: This sequence change replaces glycine, which is neutral and non-polar, with aspartic acid, which is acidic and polar, at codon 137 of the CHD8 protein (p.Gly137Asp). This variant is not present in population databases (gnomAD no frequency). This variant has not been reported in the literature in individuals affected with CHD8-related conditions. ClinVar contains an entry for this variant (Variation ID: 931195). Invitae Evidence Modeling of protein sequence and biophysical properties (such as structural, functional, and spatial information, amino acid conservation, physicochemical variation, residue mobility, and thermodynamic stability) indicates that this missense variant is not expected to disrupt CHD8 protein function with a negative predictive value of 95%. In summary, the available evidence is currently insufficient to determine the role of this variant in disease. Therefore, it has been classified as a Variant of Uncertain Significance.

Centre for Mendelian Genomics, University Medical Centre Ljubljana
Classification: Uncertain significance for Intellectual developmental disorder with autism and macrocephaly. Last evaluated: 2019-06-12. Review status: criteria provided, single submitter. Criteria: ACMG Guidelines, 2015. Collection method: clinical testing. Allele origin: unknown. Affected: yes.
Comment: This variant was classified as: Uncertain significance. The available evidence on this variant's pathogenicity is insufficient or conflicting. The following ACMG criteria were applied in classifying this variant: PM2,PM3.